The following is an entry in ClinVar:

ClinVar aggregate classification (germline): Conflicting classifications of pathogenicity. Review status: criteria provided, conflicting classifications (1 of 4 stars). 3 submissions from 3 submitters: Uncertain significance (1); Likely benign (2). Last evaluated 2025-07-08.

Conditions:
Neuronopathy, distal hereditary motor, autosomal recessive 7. Also called: NEUROPATHY, HEREDITARY MOTOR, WITH MYOPATHIC FEATURES; NEUROPATHY, DISTAL HEREDITARY MOTOR, AUTOSOMAL RECESSIVE 7. Identifiers: MedGen C5543119, MONDO:0030977, OMIM 619216.

gnomAD v4.1: 1,200 of 1,086,118 alleles (0.11%); highest among the groups gnomAD compares: Non-Finnish European, 0.13%; 1 homozygote.

Submissions (3):

Women's Health and Genetics/Laboratory Corporation of America, LabCorp
Classification: Likely benign. Last evaluated: 2025-07-08. Review status: criteria provided, single submitter. Criteria: LabCorp Variant Classification Summary - May 2015. Collection method: clinical testing. Allele origin: germline.
Comment: Variant summary: VWA1 c.1312C>A (p.Pro438Thr) results in a non-conservative amino acid change in the encoded protein sequence. Algorithms developed to predict the effect of missense changes on protein structure and function are either unavailable or do not agree on the potential impact of this missense change. The variant allele was found at a frequency of 0.0011 in 1086118 control chromosomes, predominantly at a frequency of 0.0013 within the Non-Finnish European subpopulation in the gnomAD database, including 1 homozygote. The observed variant frequency within Non-Finnish European control individuals in the gnomAD database is approximately 1.16 fold of the estimated maximal expected allele frequency for a pathogenic variant in VWA1 causing Neuronopathy, distal hereditary motor, autosomal recessive 7 phenotype (0.0011). To our knowledge, no occurrence of c.1312C>A in individuals affected with Neuronopathy, distal hereditary motor, autosomal recessive 7 and no experimental evidence demonstrating its impact on protein function have been reported. ClinVar contains an entry for this variant (Variation ID: 2920806). Based on the evidence outlined above, the variant was classified as likely benign.

Mayo Clinic Laboratories, Mayo Clinic
Classification: Likely benign. Last evaluated: 2025-01-29. Review status: criteria provided, single submitter. Criteria: ACMG Guidelines, 2015. Collection method: clinical testing. Allele origin: germline. Observed: 2 variant alleles.
Comment: BS1, BP4_moderate

ARUP Laboratories, Molecular Genetics and Genomics, ARUP Laboratories
Classification: Uncertain significance for Neuronopathy, distal hereditary motor, autosomal recessive 7. Last evaluated: 2023-08-25. Review status: criteria provided, single submitter. Criteria: ARUP Molecular Germline Variant Investigation Process 2024. Collection method: clinical testing. Allele origin: germline.

NM_022834.5(VWA1):c.1312C>A (p.Pro438Thr)

Gene: VWA1 (von Willebrand factor A domain containing 1; plus strand). Cytogenetic location: 1p36.33.
Variant type: single nucleotide variant.
Coding change: c.1312C>A on transcript NM_022834.5 (MANE Select); coding-DNA position 1312, C replaced by A.
Protein change: p.Pro438Thr; replaces proline 438 with threonine.
Molecular consequence: missense variant. On other transcripts: 3 prime UTR variant (1).
Genome position (GRCh38, 1-based): chr1:1,439,761, C>A. VCF-style: chr1-1439761-C-A. GRCh37 (hg19) VCF-style: chr1-1375141-C-A.
Other names: p.Pro438Thr; c.*722C>A (NM_199121.3); short protein forms P438T.
Identifiers: ClinVar variation 2920806 (VCV002920806.3), dbSNP rs1023125265, ClinGen allele CA16817186.